The following is an entry in ClinVar:

ClinVar aggregate classification (germline): Conflicting classifications of pathogenicity. Review status: criteria provided, conflicting classifications (1 of 4 stars). 7 submissions from 7 submitters: Uncertain significance (1); Likely benign (6). Last evaluated 2026-01-28.

Conditions:
Cardiovascular phenotype. Identifiers: MedGen CN230736.
Alstrom syndrome (ALMS). Identifiers: Orphanet 64, MedGen C0268425, MONDO:0008763, OMIM 203800.

Allele frequency attached by ClinVar (database versions not stated): gnomAD exomes 0.00009; ESP Exome Variant Server 0.00015; gnomAD 0.00007; TOPMed 0.00008; ExAC 0.00009.
gnomAD v4.1: 155 of 1,614,038 alleles (0.0096%); highest among the groups gnomAD compares: Middle Eastern, 0.049%; 1 homozygote.

Submissions (7):

Labcorp Genetics (formerly Invitae), Labcorp
Classification: Likely benign for Alstrom syndrome. Last evaluated: 2026-01-28. Review status: criteria provided, single submitter. Criteria: Invitae Variant Classification Sherloc (09022015). Collection method: clinical testing. Allele origin: germline.

CeGaT Center for Human Genetics Tuebingen
Classification: Likely benign. Last evaluated: 2025-07-01. Review status: criteria provided, single submitter. Criteria: CeGaT Center For Human Genetics Tuebingen Variant Classification Criteria Version 2. Collection method: clinical testing. Allele origin: germline. Affected: yes. Observed: 1 variant allele.
Comment: ALMS1: BP4, BP7

Blueprint Genetics
Classification: Likely benign. Last evaluated: 2024-11-13. Review status: criteria provided, single submitter. Criteria: ACMG Guidelines, 2015. Collection method: clinical testing. Allele origin: germline.

GeneDx
Classification: Likely benign. Last evaluated: 2021-09-21. Review status: criteria provided, single submitter. Criteria: GeneDx Variant Classification Process June 2021. Collection method: clinical testing. Allele origin: germline. Affected: yes.

Pars Genome Lab
Classification: Likely benign for Alstrom syndrome. Last evaluated: 2021-05-18. Review status: criteria provided, single submitter. Criteria: ACMG Guidelines, 2015. Collection method: clinical testing. Allele origin: germline. Affected: no.

Ambry Genetics
Classification: Likely benign for Cardiovascular phenotype. Last evaluated: 2020-03-02. Review status: criteria provided, single submitter. Criteria: Ambry Variant Classification Scheme 2023. Collection method: clinical testing. Allele origin: germline.

Women's Health and Genetics/Laboratory Corporation of America, LabCorp
Classification: Uncertain significance. Last evaluated: 2017-03-13. Review status: criteria provided, single submitter. Criteria: LabCorp Variant Classification Summary - May 2015. Collection method: clinical testing. Allele origin: germline.
Comment: Variant summary: The ALMS1 c.11745G>A (alternative name c.11751G>A) variant involves the alteration of a non-conserved nucleotide, resulting in a synonymous change. Mutation taster predicts a benign outcome for this variant. 5/5 splice prediction tools predict no significant impact on normal splicing. ESE finder predicts that this variant may affect binding of an ESE site. These predictions have yet to be confirmed by functional studies. This variant was found in 11/120730 control chromosomes from ExAC at a frequency of 0.0000911, which does not exceed the estimated maximal expected allele frequency of a pathogenic ALMS1 variant (0.0022361). The variant of interest has not, to our knowledge, been reported in affected individuals via publications and/or reputable databases/clinical diagnostic laboratories. Taken together, this variant is classified as VUS-possibly benign variant.

NM_001378454.1(ALMS1):c.11748G>A (p.Glu3916=)

Gene: ALMS1 (ALMS1 centrosome and basal body associated protein; plus strand). Cytogenetic location: 2p13.1.
Variant type: single nucleotide variant.
Coding change: c.11748G>A on transcript NM_001378454.1 (MANE Select); coding-DNA position 11748, G replaced by A.
Protein change: p.Glu3916=; no amino-acid change (glutamic acid 3916 retained).
Molecular consequence: synonymous variant.
Genome position (GRCh38, 1-based): chr2:73,600,757, G>A. VCF-style: chr2-73600757-G-A. GRCh37 (hg19) VCF-style: chr2-73827884-G-A.
Other names: c.11751G>A, p.Glu3917= (NM_015120.4).
Identifiers: ClinVar variation 511407 (VCV000511407.29), dbSNP rs373364340, ClinGen allele CA1715311.